The following is an entry in ClinVar:

ClinVar aggregate classification (germline): Uncertain significance. Review status: criteria provided, multiple submitters, no conflicts (2 of 4 stars). 6 submissions from 3 submitters: Uncertain significance (6). Last evaluated 2023-04-11.

Conditions:
Congenital myopathy 18. Also called: Myopathy, congenital, due to dihydropyridine receptor defect; DIHYDROPYRIDINE RECEPTOR CONGENITAL MYOPATHY; DHPR CONGENITAL MYOPATHY. Identifiers: MedGen C5830283, MONDO:0859514, OMIM 620246.
Hypokalemic periodic paralysis, type 1. Also called: Hypokalemic Periodic Paralysis Type 1 (AD); HypoPP. Identifiers: Orphanet 681, MedGen C3714580, MONDO:0042979, OMIM 170400.
Malignant hyperthermia, susceptibility to, 5 (MHS5). Also called: CACNA1S-Related Malignant Hyperthermia Susceptibility. Identifiers: Orphanet 423, MedGen C1866077, MONDO:0011163, OMIM 601887.
Thyrotoxic periodic paralysis, susceptibility to, 1 (TTPP1). Identifiers: Orphanet 79102, MedGen C2749982, MONDO:0008570, OMIM 188580.

Allele frequency attached by ClinVar (database versions not stated): gnomAD exomes below 0.00001.
gnomAD v4.1: 1 of 1,614,174 alleles (0.000062%); highest among the groups gnomAD compares: Non-Finnish European, 0.000085%; no homozygotes.

Submissions (6):

Genome-Nilou Lab
Classification: Uncertain significance for Malignant hyperthermia, susceptibility to, 5. Last evaluated: 2023-04-11. Review status: criteria provided, single submitter. Criteria: ACMG Guidelines, 2015. Collection method: clinical testing. Allele origin: germline. Affected: no.

Genome-Nilou Lab
Classification: Uncertain significance for Thyrotoxic periodic paralysis, susceptibility to, 1. Last evaluated: 2023-04-11. Review status: criteria provided, single submitter. Criteria: ACMG Guidelines, 2015. Collection method: clinical testing. Allele origin: germline. Affected: no.

Genome-Nilou Lab
Classification: Uncertain significance for Congenital myopathy 18. Last evaluated: 2023-04-11. Review status: criteria provided, single submitter. Criteria: ACMG Guidelines, 2015. Collection method: clinical testing. Allele origin: germline. Affected: no.

Genome-Nilou Lab
Classification: Uncertain significance for Hypokalemic periodic paralysis, type 1. Last evaluated: 2023-04-11. Review status: criteria provided, single submitter. Criteria: ACMG Guidelines, 2015. Collection method: clinical testing. Allele origin: germline. Affected: no.

Labcorp Genetics (formerly Invitae), Labcorp
Classification: Uncertain significance for Hypokalemic periodic paralysis, type 1; Malignant hyperthermia, susceptibility to, 5. Last evaluated: 2022-07-26. Review status: criteria provided, single submitter. Criteria: Invitae Variant Classification Sherloc (09022015). Collection method: clinical testing. Allele origin: germline.
Comment: ClinVar contains an entry for this variant (Variation ID: 1353586). This sequence change replaces valine, which is neutral and non-polar, with methionine, which is neutral and non-polar, at codon 1253 of the CACNA1S protein (p.Val1253Met). This variant is not present in population databases (gnomAD no frequency). This variant has not been reported in the literature in individuals affected with CACNA1S-related conditions. Advanced modeling of protein sequence and biophysical properties (such as structural, functional, and spatial information, amino acid conservation, physicochemical variation, residue mobility, and thermodynamic stability) performed at Invitae indicates that this missense variant is not expected to disrupt CACNA1S protein function. In summary, the available evidence is currently insufficient to determine the role of this variant in disease. Therefore, it has been classified as a Variant of Uncertain Significance.

GeneDx
Classification: Uncertain significance. Last evaluated: 2022-07-13. Review status: criteria provided, single submitter. Criteria: GeneDx Variant Classification Process June 2021. Collection method: clinical testing. Allele origin: germline. Affected: yes.
Comment: Not observed at significant frequency in large population cohorts (gnomAD); In silico analysis supports that this missense variant does not alter protein structure/function; Has not been previously published as pathogenic or benign to our knowledge

NM_000069.3(CACNA1S):c.3757G>A (p.Val1253Met)

Gene: CACNA1S (calcium voltage-gated channel subunit alpha1 S; minus strand). Cytogenetic location: 1q32.1.
Variant type: single nucleotide variant.
Coding change: c.3757G>A on transcript NM_000069.3 (MANE Select); coding-DNA position 3757, G replaced by A.
Protein change: p.Val1253Met; replaces valine 1253 with methionine.
Molecular consequence: missense variant.
Genome position (GRCh38, 1-based): chr1:201,053,497, C>T on the plus strand (G>A on the coding strand, the complement: CACNA1S is on the minus strand). VCF-style: chr1-201053497-C-T. GRCh37 (hg19) VCF-style: chr1-201022625-C-T.
Other names: short protein forms V1253M.
Identifiers: ClinVar variation 1353586 (VCV001353586.8), dbSNP rs1660730259, ClinGen allele CA344154413.